The following is an entry in ClinVar:

ClinVar aggregate classification (germline): Uncertain significance. Review status: criteria provided, multiple submitters, no conflicts (2 of 4 stars). 3 submissions from 3 submitters: Uncertain significance (3). Last evaluated 2025-11-13.

Conditions:
Atypical hemolytic-uremic syndrome with thrombomodulin anomaly. Also called: HEMOLYTIC UREMIC SYNDROME, ATYPICAL, SUSCEPTIBILITY TO, 6; AHUS, SUSCEPTIBILITY TO, 6. Identifiers: MedGen C2752036, MONDO:0013044, OMIM 612926. Disease mechanism: gain of function.
Thrombomodulin-related bleeding disorder (THPH12). Also called: Thrombophilia due to thrombomodulin defect. Identifiers: Orphanet 436169, MedGen C3280976, MONDO:0013775, OMIM 614486.
Inborn genetic diseases. Identifiers: MedGen C0950123, MeSH D030342.

Allele frequency attached by ClinVar (database versions not stated): gnomAD exomes below 0.00001; ExAC 0.00001; gnomAD 0.00001; TOPMed 0.00001.
gnomAD v4.1: 3 of 1,612,488 alleles (0.00019%); highest among the groups gnomAD compares: Admixed American, 0.0033%; no homozygotes.

Submissions (3):

Ambry Genetics
Classification: Uncertain significance for Inborn genetic diseases. Last evaluated: 2025-11-13. Review status: criteria provided, single submitter. Criteria: Ambry Variant Classification Scheme 2023. Collection method: clinical testing. Allele origin: germline.

Labcorp Genetics (formerly Invitae), Labcorp
Classification: Uncertain significance. Last evaluated: 2024-06-03. Review status: criteria provided, single submitter. Criteria: Invitae Variant Classification Sherloc (09022015). Collection method: clinical testing. Allele origin: germline.
Comment: This sequence change replaces alanine, which is neutral and non-polar, with threonine, which is neutral and polar, at codon 471 of the THBD protein (p.Ala471Thr). This variant is present in population databases (rs752252782, gnomAD 0.006%). This variant has not been reported in the literature in individuals affected with THBD-related conditions. Advanced modeling of protein sequence and biophysical properties (such as structural, functional, and spatial information, amino acid conservation, physicochemical variation, residue mobility, and thermodynamic stability) performed at Invitae indicates that this missense variant is not expected to disrupt THBD protein function with a negative predictive value of 80%. In summary, the available evidence is currently insufficient to determine the role of this variant in disease. Therefore, it has been classified as a Variant of Uncertain Significance.

Fulgent Genetics
Classification: Uncertain significance for Atypical hemolytic-uremic syndrome with thrombomodulin anomaly; Thrombomodulin-related bleeding disorder. Last evaluated: 2023-12-29. Review status: criteria provided, single submitter. Criteria: ACMG Guidelines, 2015. Collection method: clinical testing. Allele origin: germline.

NM_000361.3(THBD):c.1411G>A (p.Ala471Thr)

Gene: THBD (thrombomodulin; minus strand). Cytogenetic location: 20p11.21.
Variant type: single nucleotide variant.
Coding change: c.1411G>A on transcript NM_000361.3 (MANE Select); coding-DNA position 1411, G replaced by A.
Protein change: p.Ala471Thr; replaces alanine 471 with threonine.
Molecular consequence: missense variant.
Genome position (GRCh38, 1-based): chr20:23,048,094, C>T on the plus strand (G>A on the coding strand, the complement: THBD is on the minus strand). VCF-style: chr20-23048094-C-T. GRCh37 (hg19) VCF-style: chr20-23028731-C-T.
Other names: short protein forms A471T.
Identifiers: ClinVar variation 2781669 (VCV002781669.5), dbSNP rs752252782, ClinGen allele CA9787564.